The following is an entry in ClinVar:

NM_001903.5(CTNNA1):c.1032_1033delinsTT (p.Gln345Ter)

Gene: CTNNA1 (catenin alpha 1; plus strand). Cytogenetic location: 5q31.2.
Variant type: Indel.
Coding change: c.1032_1033delinsTT on transcript NM_001903.5 (MANE Select); coding-DNA positions 1032 to 1033, GC replaced by TT.
Protein change: p.Gln345Ter; replaces glutamine 345 with a stop codon.
Molecular consequence: nonsense.
Genome position (GRCh38, 1-based): chr5:138,827,688-138,827,689, GC replaced by TT. VCF-style: chr5-138827688-GC-TT. GRCh37 (hg19) VCF-style: chr5-138163377-GC-TT.
Other names: c.1032_1033delinsTT, p.Gln345Ter (NM_001323982.2, NM_001323983.1, NM_001323984.2 and 3 more transcripts); c.723_724delinsTT, p.Gln242Ter (NM_001290309.3); c.663_664delinsTT, p.Gln222Ter (NM_001290310.3); short protein forms Q222*, Q242*, Q345*.
Identifiers: ClinVar variation 4876092 (VCV004876092.1).

ClinVar aggregate classification (germline): Pathogenic (1 of 4 stars; one submission).

Conditions:
Hereditary diffuse gastric adenocarcinoma (HDGC). Also called: DIFFUSE GASTRIC AND LOBULAR BREAST CANCER SYNDROME. Identifiers: Orphanet 26106, MedGen C1708349, MONDO:0007648, OMIM 137215.

Submission:

Myriad Genetics, Inc.
Classification: Pathogenic for Hereditary diffuse gastric adenocarcinoma. Last evaluated: 2026-06-11. Review status: criteria provided, single submitter. Criteria: Myriad Autosomal Dominant, Autosomal Recessive and X-Linked Classification Criteria (2023). Collection method: clinical testing. Allele origin: unknown.
Comment: This variant is considered pathogenic. This variant creates a termination codon and is predicted to result in premature protein truncation.